The following is an entry in ClinVar:

ClinVar aggregate classification (germline): Uncertain significance (1 of 4 stars; one submission).

Conditions:
Hereditary pancreatitis (PCTT). Also called: PRSS1-Related Hereditary Pancreatitis; Hereditary chronic pancreatitis. Identifiers: Orphanet 676, MedGen C0238339, MONDO:0008185, OMIM 167800.

Allele frequency attached by ClinVar (database versions not stated): gnomAD exomes below 0.00001.
gnomAD v4.1: 1 of 1,614,152 alleles (0.000062%); highest among the groups gnomAD compares: Non-Finnish European, 0.000085%; no homozygotes.

Submission:

Labcorp Genetics (formerly Invitae), Labcorp
Classification: Uncertain significance for Hereditary pancreatitis. Last evaluated: 2023-06-25. Review status: criteria provided, single submitter. Criteria: Invitae Variant Classification Sherloc (09022015). Collection method: clinical testing. Allele origin: germline.
Comment: This variant has not been reported in the literature in individuals affected with PRSS1-related conditions. This variant is not present in population databases (gnomAD no frequency). This sequence change replaces glutamine, which is neutral and polar, with proline, which is neutral and non-polar, at codon 86 of the PRSS1 protein (p.Gln86Pro). In summary, the available evidence is currently insufficient to determine the role of this variant in disease. Therefore, it has been classified as a Variant of Uncertain Significance. Advanced modeling of protein sequence and biophysical properties (such as structural, functional, and spatial information, amino acid conservation, physicochemical variation, residue mobility, and thermodynamic stability) performed at Invitae indicates that this missense variant is expected to disrupt PRSS1 protein function.

NM_002769.5(PRSS1):c.257A>C (p.Gln86Pro)

Genes: PRSS1 (serine protease 1; plus strand), TRB (T cell receptor beta locus; plus strand). Cytogenetic location: 7q34.
Variant type: single nucleotide variant.
Coding change: c.257A>C on transcript NM_002769.5 (MANE Select); coding-DNA position 257, A replaced by C.
Protein change: p.Gln86Pro; replaces glutamine 86 with proline.
Molecular consequence: missense variant. On other transcripts: non-coding transcript variant (3).
Genome position (GRCh38, 1-based): chr7:142,751,830, A>C. VCF-style: chr7-142751830-A-C. GRCh37 (hg19) VCF-style: chr7-142459681-A-C.
Other names: short protein forms Q86P.
Identifiers: ClinVar variation 2737784 (VCV002737784.3), dbSNP rs1798761615, ClinGen allele CA369608552.